The following is an entry in ClinVar:

ClinVar aggregate classification (germline): Uncertain significance. Review status: criteria provided, multiple submitters, no conflicts (2 of 4 stars). 2 submissions from 2 submitters: Uncertain significance (2). Last evaluated 2025-10-18.

Conditions:
Sucrase-isomaltase deficiency (CSID). Also called: Congenital sucrose isomaltose malabsorption; Sucrose isomaltose enzyme deficiency; Deficiency of isomaltase; SI DEFICIENCY. Identifiers: Orphanet 35122, MedGen C1283620, MONDO:0009114, OMIM 222900.

Allele frequency attached by ClinVar (database versions not stated): gnomAD exomes 0.00001 and 0.00002; ExAC 0.00002; gnomAD 0.00002; TOPMed 0.00003; ESP Exome Variant Server 0.00008.

Submissions (2):

Labcorp Genetics (formerly Invitae), Labcorp
Classification: Uncertain significance. Last evaluated: 2025-10-18. Review status: criteria provided, single submitter. Criteria: Invitae Variant Classification Sherloc (09022015). Collection method: clinical testing. Allele origin: germline.
Comment: This sequence change replaces arginine, which is basic and polar, with cysteine, which is neutral and slightly polar, at codon 435 of the SI protein (p.Arg435Cys). This variant is present in population databases (rs370325800, gnomAD 0.003%). This variant has not been reported in the literature in individuals affected with SI-related conditions. ClinVar contains an entry for this variant (Variation ID: 1521470). Invitae Evidence Modeling of protein sequence and biophysical properties (such as structural, functional, and spatial information, amino acid conservation, physicochemical variation, residue mobility, and thermodynamic stability) has been performed for this missense variant. However, the output from this modeling did not meet the statistical confidence thresholds required to predict the impact of this variant on SI protein function. In summary, the available evidence is currently insufficient to determine the role of this variant in disease. Therefore, it has been classified as a Variant of Uncertain Significance.

Fulgent Genetics
Classification: Uncertain significance for Sucrase-isomaltase deficiency. Last evaluated: 2022-04-22. Review status: criteria provided, single submitter. Criteria: ACMG Guidelines, 2015. Collection method: clinical testing. Allele origin: unknown.

NM_001041.4(SI):c.1303C>T (p.Arg435Cys)

Gene: SI (sucrase-isomaltase; minus strand). Cytogenetic location: 3q26.1.
Variant type: single nucleotide variant.
Coding change: c.1303C>T on transcript NM_001041.4 (MANE Select); coding-DNA position 1303, C replaced by T.
Protein change: p.Arg435Cys; replaces arginine 435 with cysteine.
Molecular consequence: missense variant.
Genome position (GRCh38, 1-based): chr3:165,059,058, G>A on the plus strand (C>T on the coding strand, the complement: SI is on the minus strand). VCF-style: chr3-165059058-G-A. GRCh37 (hg19) VCF-style: chr3-164776846-G-A.
Other names: short protein forms R435C.
Identifiers: ClinVar variation 1521470 (VCV001521470.7), dbSNP rs370325800, ClinGen allele CA2691108.
Genomic context (GRCh38, chr3:165,059,058, plus strand): 5'-TTATCCACACATGTTGTGTGTTTCCCCTCTCATAGGTTGCATATGTTGTTCCATTGGCAC[G>A]TCGACCTATGGAAATTGCAGGGTCCTAATAATAGAAAGCAGAAACTGCAAAATCTATTAA-3'
Protein context (NP_001032.2, residues 425-445): ILDPAISIGR[Arg435Cys]ANGTTYATYE